The following is an entry in ClinVar:

ClinVar aggregate classification (germline): Uncertain significance (1 of 4 stars; one submission).

Conditions:
Cardiovascular phenotype. Identifiers: MedGen CN230736.
Hereditary cancer-predisposing syndrome. Also called: Hereditary Cancer Syndrome; Neoplastic Syndromes, Hereditary; Tumor predisposition; Hereditary neoplastic syndrome. Identifiers: Orphanet 140162, MedGen C0027672, MeSH D009386, MONDO:0015356.

Submission:

Ambry Genetics
Classification: Uncertain significance for Cardiovascular phenotype; Hereditary cancer-predisposing syndrome. Last evaluated: 2017-11-28. Review status: criteria provided, single submitter. Criteria: Ambry Variant Classification Scheme 2023. Collection method: clinical testing. Allele origin: germline.
Comment: The p.A1764T variant (also known as c.5290G>A), located in coding exon 37 of the NF1 gene, results from a G to A substitution at nucleotide position 5290. The alanine at codon 1764 is replaced by threonine, an amino acid with similar properties. This amino acid position is highly conserved in available vertebrate species. In addition, this alteration is predicted to be deleterious by in silico analysis. Since supporting evidence is limited at this time, the clinical significance of this alteration remains unclear.

NM_001042492.3(NF1):c.5353G>A (p.Ala1785Thr)

Gene: NF1 (neurofibromin 1; plus strand). Cytogenetic location: 17q11.2.
Variant type: single nucleotide variant.
Coding change: c.5353G>A on transcript NM_001042492.3 (MANE Select); coding-DNA position 5353, G replaced by A.
Protein change: p.Ala1785Thr; replaces alanine 1785 with threonine.
Molecular consequence: missense variant.
Genome position (GRCh38, 1-based): chr17:31,327,583, G>A. VCF-style: chr17-31327583-G-A. GRCh37 (hg19) VCF-style: chr17-29654601-G-A.
Other names: c.5290G>A, p.Ala1764Thr (NM_000267.4); short protein forms A1785T, A1764T.
Identifiers: ClinVar variation 1746634 (VCV001746634.2), dbSNP rs199474782, ClinGen allele CA399009247.